The following is an entry in ClinVar:

ClinVar aggregate classification (germline): Uncertain significance. Review status: criteria provided, multiple submitters, no conflicts (2 of 4 stars). 4 submissions from 4 submitters: Uncertain significance (3). 1 of the submissions does not count toward it. Last evaluated 2024-01-02.

Conditions:
Retinal dystrophy. Also called: Inherited retinal dystrophy. Identifiers: Orphanet 71862, MedGen C0854723, MeSH D058499, MONDO:0019118, HP:0000556.
CRX-related disorder. Also called: CRX-related condition.
Leber congenital amaurosis 7 (LCA7). Identifiers: Orphanet 65, MedGen C3151192, MONDO:0013449, OMIM 613829.
Cone-rod dystrophy 2 (CORD2). Also called: CONE-ROD RETINAL DYSTROPHY; Cone-rod retinal dystrophy 2. Identifiers: Orphanet 1872, MedGen C3489532, MONDO:0007362, OMIM 120970.

Allele frequency attached by ClinVar (database versions not stated): gnomAD 0.00001; ExAC 0.00002; gnomAD exomes 0.00002; TOPMed 0.00002.
gnomAD v4.1: 72 of 1,613,646 alleles (0.0045%); highest among the groups gnomAD compares: Non-Finnish European, 0.0056%; no homozygotes.

Submissions (4):

Blueprint Genetics
Classification: Uncertain significance. Last evaluated: 2024-01-02. Review status: criteria provided, single submitter. Criteria: ACMG Guidelines, 2015. Collection method: clinical testing. Allele origin: germline.

Labcorp Genetics (formerly Invitae), Labcorp
Classification: Uncertain significance for Cone-rod dystrophy 2; Leber congenital amaurosis 7. Last evaluated: 2023-12-18. Review status: criteria provided, single submitter. Criteria: Invitae Variant Classification Sherloc (09022015). Collection method: clinical testing. Allele origin: germline.
Comment: This sequence change replaces alanine, which is neutral and non-polar, with valine, which is neutral and non-polar, at codon 3 of the CRX protein (p.Ala3Val). This variant is present in population databases (rs762715327, gnomAD 0.003%). This variant has not been reported in the literature in individuals affected with CRX-related conditions. ClinVar contains an entry for this variant (Variation ID: 853189). Advanced modeling of protein sequence and biophysical properties (such as structural, functional, and spatial information, amino acid conservation, physicochemical variation, residue mobility, and thermodynamic stability) performed at Invitae indicates that this missense variant is not expected to disrupt CRX protein function with a negative predictive value of 80%. In summary, the available evidence is currently insufficient to determine the role of this variant in disease. Therefore, it has been classified as a Variant of Uncertain Significance.

Dept Of Ophthalmology, Nagoya University
Classification: Uncertain significance for Retinal dystrophy. Last evaluated: 2023-10-01. Review status: criteria provided, single submitter. Criteria: Submitter's publication. Collection method: research. Allele origin: germline. Affected: yes.

PreventionGenetics, part of Exact Sciences
Classification: Uncertain significance for CRX-related condition. Last evaluated: 2024-08-16. Review status: no assertion criteria provided. Collection method: clinical testing. Allele origin: germline. Not counted in ClinVar's aggregate classification.
Comment: The CRX c.8C>T variant is predicted to result in the amino acid substitution p.Ala3Val. To our knowledge, this variant has not been reported in the literature. This variant is reported in 0.0031% of alleles in individuals of European (Non-Finnish) descent in gnomAD. At this time, the clinical significance of this variant is uncertain due to the absence of conclusive functional and genetic evidence.

NM_000554.6(CRX):c.8C>T (p.Ala3Val)

Gene: CRX (cone-rod homeobox; plus strand). Cytogenetic location: 19q13.33.
Variant type: single nucleotide variant.
Coding change: c.8C>T on transcript NM_000554.6 (MANE Select); coding-DNA position 8, C replaced by T.
Protein change: p.Ala3Val; replaces alanine 3 with valine.
Molecular consequence: missense variant.
Genome position (GRCh38, 1-based): chr19:47,834,451, C>T. VCF-style: chr19-47834451-C-T. GRCh37 (hg19) VCF-style: chr19-48337708-C-T.
Other names: c.8C>T (NM_000554.5); short protein forms A3V.
Identifiers: ClinVar variation 853189 (VCV000853189.10), dbSNP rs762715327, ClinGen allele CA9544358.